The following is an entry in ClinVar:

NM_052844.4(DYNC2I2):c.965G>A (p.Ser322Asn)

Genes: DYNC2I2 (dynein 2 intermediate chain 2; minus strand), LOC126860772 (CDK7 strongly-dependent group 2 enhancer GRCh37_chr9:131396972-131398171; plus strand). Cytogenetic location: 9q34.11.
Variant type: single nucleotide variant.
Coding change: c.965G>A on transcript NM_052844.4 (MANE Select); coding-DNA position 965, G replaced by A.
Protein change: p.Ser322Asn; replaces serine 322 with asparagine.
Molecular consequence: missense variant.
Genome position (GRCh38, 1-based): chr9:128,635,108, C>T on the plus strand (G>A on the coding strand, the complement: DYNC2I2 is on the minus strand). VCF-style: chr9-128635108-C-T. GRCh37 (hg19) VCF-style: chr9-131397387-C-T.
Other names: short protein forms S322N.
Identifiers: ClinVar variation 2119155 (VCV002119155.4), dbSNP rs1416451102, ClinGen allele CA375114724.

ClinVar aggregate classification (germline): Uncertain significance (1 of 4 stars; one submission).

Conditions:
Short-rib thoracic dysplasia 11 with or without polydactyly (SRTD11). Also called: SHORT-RIB THORACIC DYSPLASIA 11 WITHOUT POLYDACTYLY. Identifiers: Orphanet 474, Orphanet 93271, MedGen C3810200, MONDO:0014287, OMIM 615633.

Submission:

Labcorp Genetics (formerly Invitae), Labcorp
Classification: Uncertain significance for Short-rib thoracic dysplasia 11 with or without polydactyly. Last evaluated: 2022-03-29. Review status: criteria provided, single submitter. Criteria: Invitae Variant Classification Sherloc (09022015). Collection method: clinical testing. Allele origin: germline.
Comment: In summary, the available evidence is currently insufficient to determine the role of this variant in disease. Therefore, it has been classified as a Variant of Uncertain Significance. Algorithms developed to predict the effect of missense changes on protein structure and function output the following: SIFT: "Tolerated"; PolyPhen-2: "Benign"; Align-GVGD: "Class C0". The asparagine amino acid residue is found in multiple mammalian species, which suggests that this missense change does not adversely affect protein function. This variant has not been reported in the literature in individuals affected with WDR34-related conditions. This variant is not present in population databases (gnomAD no frequency). This sequence change replaces serine, which is neutral and polar, with asparagine, which is neutral and polar, at codon 322 of the WDR34 protein (p.Ser322Asn).